The following is an entry in ClinVar:

ClinVar aggregate classification (germline): Conflicting classifications of pathogenicity. Review status: criteria provided, conflicting classifications (1 of 4 stars). 4 submissions from 4 submitters: Uncertain significance (3); Likely benign (1). Last evaluated 2026-09-13.

Conditions:
COL11A2-related disorder. Also called: COL11A2-related condition; COL11A2-related disorders.
Inborn genetic diseases. Identifiers: MedGen C0950123, MeSH D030342.

Allele frequency attached by ClinVar (database versions not stated): ExAC 0.00001; gnomAD 0.00001; gnomAD exomes 0.00001; TOPMed 0.00001.

Submissions (4):

PreventionGenetics, part of Exact Sciences
Classification: Uncertain significance for COL11A2-related condition. Last evaluated: 2026-09-13. Review status: criteria provided, single submitter. Criteria: ACMG Guidelines, 2015. Collection method: clinical testing. Allele origin: germline.
Comment: The COL11A2 c.4337T>C variant is predicted to result in the amino acid substitution p.Met1446Thr. To our knowledge, this variant has not been reported in the literature. This variant is reported in 0.0027% of alleles in individuals of European (Non-Finnish) descent in gnomAD. At this time, the clinical significance of this variant is uncertain due to the absence of conclusive functional and genetic evidence.

Labcorp Genetics (formerly Invitae), Labcorp
Classification: Uncertain significance. Last evaluated: 2026-01-15. Review status: criteria provided, single submitter. Criteria: Invitae Variant Classification Sherloc (09022015). Collection method: clinical testing. Allele origin: germline.
Comment: This sequence change replaces methionine, which is neutral and non-polar, with threonine, which is neutral and polar, at codon 1446 of the COL11A2 protein (p.Met1446Thr). This variant is present in population databases (rs781001180, gnomAD 0.003%). This variant has not been reported in the literature in individuals affected with COL11A2-related conditions. ClinVar contains an entry for this variant (Variation ID: 1312940). An algorithm developed to predict the effect of missense changes on protein structure and function outputs the following: PolyPhen-2: "Not Available". The threonine amino acid residue is found in multiple mammalian species, which suggests that this missense change does not adversely affect protein function. In summary, the available evidence is currently insufficient to determine the role of this variant in disease. Therefore, it has been classified as a Variant of Uncertain Significance.

GeneDx
Classification: Uncertain significance. Last evaluated: 2025-11-17. Review status: criteria provided, single submitter. Criteria: GeneDx Variant Classification Process June 2021. Collection method: clinical testing. Allele origin: germline. Affected: yes.
Comment: Not observed at significant frequency in large population cohorts (gnomAD); In silico analysis suggests that this missense variant does not alter protein structure/function; Has not been previously published as pathogenic or benign to our knowledge

Ambry Genetics
Classification: Likely benign for Inborn genetic diseases. Last evaluated: 2022-04-25. Review status: criteria provided, single submitter. Criteria: Ambry Variant Classification Scheme 2023. Collection method: clinical testing. Allele origin: germline.

NM_080680.3(COL11A2):c.4337T>C (p.Met1446Thr)

Gene: COL11A2 (collagen type XI alpha 2 chain; minus strand). Cytogenetic location: 6p21.32.
Variant type: single nucleotide variant.
Coding change: c.4337T>C on transcript NM_080680.3 (MANE Select); coding-DNA position 4337, T replaced by C.
Protein change: p.Met1446Thr; replaces methionine 1446 with threonine.
Molecular consequence: missense variant.
Genome position (GRCh38, 1-based): chr6:33,166,721, A>G on the plus strand (T>C on the coding strand, the complement: COL11A2 is on the minus strand). VCF-style: chr6-33166721-A-G. GRCh37 (hg19) VCF-style: chr6-33134498-A-G.
Other names: c.4016T>C, p.Met1339Thr (NM_080679.3); c.4079T>C, p.Met1360Thr (NM_080681.3); short protein forms M1339T, M1360T, M1446T.
Identifiers: ClinVar variation 1312940 (VCV001312940.12), dbSNP rs781001180, ClinGen allele CA3750142.